The following is an entry in ClinVar:

ClinVar aggregate classification (germline): Likely pathogenic (1 of 4 stars; one submission).

Conditions:
Rajab interstitial lung disease with brain calcifications 1 (RILDBC1). Also called: DEVELOPMENTAL DELAY, SMALL STATURE, MICROCEPHALY, AND BRAIN CALCIFICATIONS; NEURODEVELOPMENTAL DISORDER WITH BRAIN, LIVER, AND LUNG ABNORMALITIES. Identifiers: Orphanet 178506, MedGen C5436276, MONDO:0100215, OMIM 613658.

Submission:

First Genomix Gene Laboratory, Genetic Diagnostics Department
Classification: Likely pathogenic for Rajab interstitial lung disease with brain calcifications 1. Last evaluated: 2025-03-27. Review status: criteria provided, single submitter. Criteria: ACMG Guidelines, 2015. Collection method: clinical testing. Allele origin: germline. Inheritance: Autosomal recessive inheritance. Affected: no. Observed: 1 variant allele.

NM_005687.5(FARSB):c.37del (p.Gln13fs)

Gene: FARSB (phenylalanyl-tRNA synthetase subunit beta; minus strand). Cytogenetic location: 2q36.1.
Variant type: Deletion.
Coding change: c.37del on transcript NM_005687.5 (MANE Select); coding-DNA position 37, one base deleted (C; older notation c.37delC).
Protein change: p.Gln13fs; shifts the reading frame from glutamine 13.
Molecular consequence: frameshift variant. On other transcripts: non-coding transcript variant (1).
Genome position (GRCh38, 1-based): chr2:222,656,037, G deleted on the plus strand (C on the coding strand, the reverse complement: FARSB is on the minus strand); the first of 2 consecutive G bases (chr2:222,656,037-222,656,038); deleting either gives the same sequence. VCF-style (leftmost placement, unchanged base first): chr2-222656036-TG-T. GRCh37 (hg19) VCF-style: chr2-223520755-TG-T.
Other names: c.37delC (NM_005687.5); short protein forms Q13fs.
Identifiers: ClinVar variation 4845835 (VCV004845835.1).
Genomic context (GRCh38, chr2:222,656,036, plus strand): 5'-AGAAGAGGCGTAGGGCCCAACGTATAGGGCCGCCACTCACTGTAGGTGCGGCCCAGGGCT[TG>T]GAAGAGCAGATCACGCTTCACGCTGACAGTCGGCATGGTGTGTCGAACTCACTGCGCCTG-3'